The following is an entry in ClinVar:

ClinVar aggregate classification (germline): Benign. Review status: criteria provided, multiple submitters, no conflicts (2 of 4 stars). 6 submissions from 6 submitters: Benign (5). 1 of the submissions does not count toward it. Last evaluated 2026-02-03.

Conditions:
SCN3A-related disorder. Also called: SCN3A-related condition.

Allele frequency attached by ClinVar (database versions not stated): gnomAD exomes 0.00063 and 0.00175; ExAC 0.00222; 1000 Genomes Project 0.00619; gnomAD 0.00694 and 0.00763; 1000 Genomes Project 30x 0.00718; ESP Exome Variant Server 0.00730; TOPMed 0.00793.
gnomAD v4.1: 2,012 of 1,614,038 alleles (0.12%); highest among the groups gnomAD compares: African/African-American, 2.4%; 19 homozygotes.

Submissions (6):

Labcorp Genetics (formerly Invitae), Labcorp
Classification: Benign. Last evaluated: 2026-02-03. Review status: criteria provided, single submitter. Criteria: Invitae Variant Classification Sherloc (09022015). Collection method: clinical testing. Allele origin: germline.

ARUP Laboratories, Molecular Genetics and Genomics, ARUP Laboratories
Classification: Benign. Last evaluated: 2025-03-13. Review status: criteria provided, single submitter. Criteria: ARUP Molecular Germline Variant Investigation Process 2024. Collection method: clinical testing. Allele origin: germline.

Mayo Clinic Laboratories, Mayo Clinic
Classification: Benign. Last evaluated: 2024-11-01. Review status: criteria provided, single submitter. Criteria: ACMG Guidelines, 2015. Collection method: clinical testing. Allele origin: germline. Observed: 1 variant allele.
Comment: BS1, BS2, BP4, BP7

Athena Diagnostics
Classification: Benign. Last evaluated: 2017-09-07. Review status: criteria provided, single submitter. Criteria: Athena Diagnostics Criteria. Collection method: clinical testing. Allele origin: germline.

Breakthrough Genomics
Classification: Benign. Review status: criteria provided, single submitter. Criteria: ACMG Guidelines, 2015. Collection method: not provided. Allele origin: germline. Inheritance: Autosomal dominant inheritance. Affected: yes.

PreventionGenetics, part of Exact Sciences
Classification: Likely benign for SCN3A-related condition. Last evaluated: 2019-04-02. Review status: no assertion criteria provided. Collection method: clinical testing. Allele origin: germline. Not counted in ClinVar's aggregate classification.
Comment: This variant is classified as likely benign based on ACMG/AMP sequence variant interpretation guidelines (Richards et al. 2015 PMID: 25741868, with internal and published modifications).

NM_006922.4(SCN3A):c.5670T>C (p.Pro1890=)

Gene: SCN3A (sodium voltage-gated channel alpha subunit 3; minus strand). Cytogenetic location: 2q24.3.
Variant type: single nucleotide variant.
Coding change: c.5670T>C on transcript NM_006922.4 (MANE Select); coding-DNA position 5670, T replaced by C.
Protein change: p.Pro1890=; no amino-acid change (proline 1890 retained).
Molecular consequence: synonymous variant.
Genome position (GRCh38, 1-based): chr2:165,090,483, A>G on the plus strand (T>C on the coding strand, the complement: SCN3A is on the minus strand). VCF-style: chr2-165090483-A-G. GRCh37 (hg19) VCF-style: chr2-165946993-A-G.
Other names: p.Pro1890=; c.5523T>C, p.Pro1841= (NM_001081676.2, NM_001081677.2).
Identifiers: ClinVar variation 412605 (VCV000412605.19), dbSNP rs73969174, ClinGen allele CA1938372.